The following is an entry in ClinVar:

ClinVar aggregate classification (germline): Uncertain significance (1 of 4 stars; one submission).

gnomAD v4.1: 2 of 1,565,212 alleles (0.00013%); highest among the groups gnomAD compares: Non-Finnish European, 0.00017%; no homozygotes.

Submission:

Ambry Genetics
Classification: Uncertain significance. Last evaluated: 2024-06-01. Review status: criteria provided, single submitter. Criteria: Ambry Variant Classification Scheme 2023. Collection method: clinical testing. Allele origin: germline.
Comment: The p.R93S variant (also known as c.279G>T), located in coding exon 1 of the TERF2IP gene, results from a G to T substitution at nucleotide position 279. The arginine at codon 93 is replaced by serine, an amino acid with dissimilar properties. This amino acid position is conserved. In addition, this alteration is predicted to be tolerated by in silico analysis. Since supporting evidence is limited at this time, the clinical significance of this alteration remains unclear.

NM_018975.4(TERF2IP):c.279G>T (p.Arg93Ser)

Gene: TERF2IP (TERF2 interacting protein; plus strand). Cytogenetic location: 16q23.1.
Variant type: single nucleotide variant.
Coding change: c.279G>T on transcript NM_018975.4 (MANE Select); coding-DNA position 279, G replaced by T.
Protein change: p.Arg93Ser; replaces arginine 93 with serine.
Molecular consequence: missense variant. On other transcripts: non-coding transcript variant (1).
Genome position (GRCh38, 1-based): chr16:75,648,161, G>T. VCF-style: chr16-75648161-G-T. GRCh37 (hg19) VCF-style: chr16-75682059-G-T.
Other names: short protein forms R93S.
Identifiers: ClinVar variation 1796144 (VCV001796144.3), dbSNP rs1168288530, ClinGen allele CA396817587.